The following is an entry in ClinVar:

ClinVar aggregate classification (germline): Uncertain significance (1 of 4 stars; one submission).

Conditions:
Early-infantile DEE. Also called: Ohtahara syndrome; Early infantile epileptic encephalopathy with suppression bursts; Early infantile epileptic encephalopathy. Identifiers: Orphanet 1934, MedGen C0393706, MONDO:0800491.

Submission:

Labcorp Genetics (formerly Invitae), Labcorp
Classification: Uncertain significance for Early-infantile DEE. Last evaluated: 2025-11-07. Review status: criteria provided, single submitter. Criteria: Invitae Variant Classification Sherloc (09022015). Collection method: clinical testing. Allele origin: germline.
Comment: This sequence change replaces glycine, which is neutral and non-polar, with valine, which is neutral and non-polar, at codon 355 of the SCN1A protein (p.Gly355Val). This variant is not present in population databases (gnomAD no frequency). This variant has not been reported in the literature in individuals affected with SCN1A-related conditions. ClinVar contains an entry for this variant (Variation ID: 1014713). Invitae Evidence Modeling of protein sequence and biophysical properties (such as structural, functional, and spatial information, amino acid conservation, physicochemical variation, residue mobility, and thermodynamic stability) indicates that this missense variant is expected to disrupt SCN1A protein function with a positive predictive value of 95%. This variant disrupts the p.Gly355 amino acid residue in SCN1A. Other variant(s) that disrupt this residue have been observed in individuals with SCN1A-related conditions (PMID: 18930999, 34338318, 38891831), which suggests that this may be a clinically significant amino acid residue. In summary, the available evidence is currently insufficient to determine the role of this variant in disease. Therefore, it has been classified as a Variant of Uncertain Significance.

Literature cited by the submitters: PubMed 18930999; PubMed 34338318; PubMed 38891831.

NM_001165963.4(SCN1A):c.1064G>T (p.Gly355Val)

Gene: SCN1A (sodium voltage-gated channel alpha subunit 1; minus strand). Cytogenetic location: 2q24.3.
Variant type: single nucleotide variant.
Coding change: c.1064G>T on transcript NM_001165963.4 (MANE Select); coding-DNA position 1064, G replaced by T.
Protein change: p.Gly355Val; replaces glycine 355 with valine.
Molecular consequence: missense variant. On other transcripts: 5 prime UTR variant (1), non-coding transcript variant (1).
Genome position (GRCh38, 1-based): chr2:166,047,733, C>A on the plus strand (G>T on the coding strand, the complement: SCN1A is on the minus strand). VCF-style: chr2-166047733-C-A. GRCh37 (hg19) VCF-style: chr2-166904243-C-A.
Other names: c.1064G>T, p.Gly355Val (NM_001165964.3, NM_001202435.3, NM_001353948.2 and 10 more transcripts); c.-1362G>T (NM_001353961.2); short protein forms G355V.
Identifiers: ClinVar variation 1014713 (VCV001014713.6), dbSNP rs1698021918, ClinGen allele CA349071357.